The following is an entry in ClinVar:

NM_000368.5(TSC1):c.760G>A (p.Asp254Asn)

Gene: TSC1 (TSC complex subunit 1; minus strand). Cytogenetic location: 9q34.13.
Variant type: single nucleotide variant.
Coding change: c.760G>A on transcript NM_000368.5 (MANE Select); coding-DNA position 760, G replaced by A.
Protein change: p.Asp254Asn; replaces aspartic acid 254 with asparagine.
Molecular consequence: missense variant. On other transcripts: 5 prime UTR variant (5), non-coding transcript variant (5).
Genome position (GRCh38, 1-based): chr9:132,912,435, C>T on the plus strand (G>A on the coding strand, the complement: TSC1 is on the minus strand). VCF-style: chr9-132912435-C-T. GRCh37 (hg19) VCF-style: chr9-135787822-C-T.
Other names: c.760G>A, p.Asp254Asn (NM_001162426.2, NM_001406592.1, NM_001406593.1 and 16 more transcripts); c.607G>A, p.Asp203Asn (NM_001162427.2, NM_001406610.1, NM_001406611.1 and 2 more transcripts); c.397G>A, p.Asp133Asn (NM_001362177.2, NM_001406614.1, NM_001406615.1 and 10 more transcripts); c.-192G>A (NM_001406626.1, NM_001406627.1, NM_001406628.1); c.-334G>A (NM_001406629.1, NM_001406630.1); short protein forms D254N, D133N, D203N.
Identifiers: ClinVar variation 2803322 (VCV002803322.4), dbSNP rs2132005801, ClinGen allele CA375369648.

ClinVar aggregate classification (germline): Uncertain significance. Review status: criteria provided, multiple submitters, no conflicts (2 of 4 stars). 2 submissions from 2 submitters: Uncertain significance (2). Last evaluated 2023-12-30.

Conditions:
Tuberous sclerosis 1 (TSC1). Identifiers: Orphanet 805, MedGen C1854465, MONDO:0008612, OMIM 191100.
Hereditary cancer-predisposing syndrome. Also called: Hereditary Cancer Syndrome; Hereditary neoplastic syndrome; Neoplastic Syndromes, Hereditary; Tumor predisposition. Identifiers: Orphanet 140162, MedGen C0027672, MeSH D009386, MONDO:0015356.

Submissions (2):

Ambry Genetics
Classification: Uncertain significance for Hereditary cancer-predisposing syndrome. Last evaluated: 2023-12-30. Review status: criteria provided, single submitter. Criteria: Ambry Variant Classification Scheme 2023. Collection method: clinical testing. Allele origin: germline.
Comment: The p.D254N variant (also known as c.760G>A), located in coding exon 7 of the TSC1 gene, results from a G to A substitution at nucleotide position 760. The aspartic acid at codon 254 is replaced by asparagine, an amino acid with highly similar properties. This amino acid position is conserved. In addition, the in silico prediction for this alteration is inconclusive. Since supporting evidence is limited at this time, the clinical significance of this alteration remains unclear.

Labcorp Genetics (formerly Invitae), Labcorp
Classification: Uncertain significance for Tuberous sclerosis 1. Last evaluated: 2022-12-09. Review status: criteria provided, single submitter. Criteria: Invitae Variant Classification Sherloc (09022015). Collection method: clinical testing. Allele origin: germline.
Comment: This sequence change replaces aspartic acid, which is acidic and polar, with asparagine, which is neutral and polar, at codon 254 of the TSC1 protein (p.Asp254Asn). This variant is not present in population databases (gnomAD no frequency). In summary, the available evidence is currently insufficient to determine the role of this variant in disease. Therefore, it has been classified as a Variant of Uncertain Significance. Advanced modeling of protein sequence and biophysical properties (such as structural, functional, and spatial information, amino acid conservation, physicochemical variation, residue mobility, and thermodynamic stability) performed at Invitae indicates that this missense variant is not expected to disrupt TSC1 protein function. This variant has not been reported in the literature in individuals affected with TSC1-related conditions.